The following is an entry in ClinVar:

ClinVar aggregate classification (germline): Uncertain significance. Review status: criteria provided, single submitter (1 of 4 stars). 2 submissions from 2 submitters: Uncertain significance (1). 1 of the submissions does not count toward it. Last evaluated 2022-08-16.

Conditions:
Autosomal recessive limb-girdle muscular dystrophy type 2B (LGMDR2). Also called: MUSCULAR DYSTROPHY, LIMB-GIRDLE, AUTOSOMAL RECESSIVE 2; Limb-girdle muscular dystrophy, type 2B; MUSCULAR DYSTROPHY, LIMB-GIRDLE, TYPE 3; Limb-Girdle Muscular Dystrophy Type 2B (LGMD2B). Identifiers: Orphanet 268, MedGen C1850889, MONDO:0009676, OMIM 253601.
Neuromuscular disease caused by qualitative or quantitative defects of dysferlin. Also called: Dysferlinopathy; Qualitative or quantitative defects of dysferlin. Identifiers: Orphanet 207073, MedGen C2931687, MONDO:0016145.

Allele frequency attached by ClinVar (database versions not stated): gnomAD exomes below 0.00001 and 0.00001.
gnomAD v4.1: 13 of 1,614,046 alleles (0.00081%); highest among the groups gnomAD compares: Non-Finnish European, 0.0011%; no homozygotes.

Submissions (2):

Labcorp Genetics (formerly Invitae), Labcorp
Classification: Uncertain significance for Neuromuscular disease caused by qualitative or quantitative defects of dysferlin. Last evaluated: 2022-08-16. Review status: criteria provided, single submitter. Criteria: Invitae Variant Classification Sherloc (09022015). Collection method: clinical testing. Allele origin: germline.
Comment: This sequence change replaces glutamic acid, which is acidic and polar, with valine, which is neutral and non-polar, at codon 1021 of the DYSF protein (p.Glu1021Val). This variant is present in population databases (no rsID available, gnomAD 0.0009%). This variant has not been reported in the literature in individuals affected with DYSF-related conditions. ClinVar contains an entry for this variant (Variation ID: 565765). Advanced modeling of protein sequence and biophysical properties (such as structural, functional, and spatial information, amino acid conservation, physicochemical variation, residue mobility, and thermodynamic stability) performed at Invitae indicates that this missense variant is not expected to disrupt DYSF protein function. Algorithms developed to predict the effect of sequence changes on RNA splicing suggest that this variant may create or strengthen a splice site. In summary, the available evidence is currently insufficient to determine the role of this variant in disease. Therefore, it has been classified as a Variant of Uncertain Significance.

Natera, Inc.
Classification: Uncertain significance for Limb-girdle muscular dystrophy type 2B. Last evaluated: 2020-09-16. Review status: no assertion criteria provided. Collection method: clinical testing. Allele origin: germline. Not counted in ClinVar's aggregate classification.

NM_001130987.2(DYSF):c.3116A>T (p.Glu1039Val)

Gene: DYSF (dysferlin; plus strand). Cytogenetic location: 2p13.2.
Variant type: single nucleotide variant.
Coding change: c.3116A>T on transcript NM_001130987.2 (MANE Select); coding-DNA position 3116, A replaced by T.
Protein change: p.Glu1039Val; replaces glutamic acid 1039 with valine.
Molecular consequence: missense variant.
Genome position (GRCh38, 1-based): chr2:71,570,629, A>T. VCF-style: chr2-71570629-A-T. GRCh37 (hg19) VCF-style: chr2-71797759-A-T.
Other names: c.3065A>T, p.Glu1022Val (NM_001130455.2, NM_001130983.2); c.3020A>T, p.Glu1007Val (NM_001130976.2, NM_001130977.2); c.3062A>T, p.Glu1021Val (NM_001130978.2, NM_003494.4); c.3155A>T, p.Glu1052Val (NM_001130979.2); c.3113A>T, p.Glu1038Val (NM_001130980.2, NM_001130981.2); c.3158A>T, p.Glu1053Val (NM_001130982.2); c.3023A>T, p.Glu1008Val (NM_001130984.2, NM_001130986.2); c.3116A>T, p.Glu1039Val (NM_001130985.2); short protein forms E1021V, E1039V, E1008V, E1022V, E1038V, E1053V, E1007V, E1052V.
Identifiers: ClinVar variation 565765 (VCV000565765.8), dbSNP rs1237272381, ClinGen allele CA347216949.